The following is an entry in ClinVar:

NM_001278669.2(NFATC1):c.704G>A (p.Arg235Gln)

Gene: NFATC1 (nuclear factor of activated T cells 1; plus strand). Cytogenetic location: 18q23.
Variant type: single nucleotide variant.
Coding change: c.704G>A on transcript NM_001278669.2 (MANE Select); coding-DNA position 704, G replaced by A.
Protein change: p.Arg235Gln; replaces arginine 235 with glutamine.
Molecular consequence: missense variant. On other transcripts: intron variant (2).
Genome position (GRCh38, 1-based): chr18:79,410,979, G>A. VCF-style: chr18-79410979-G-A. GRCh37 (hg19) VCF-style: chr18-77170979-G-A.
Other names: c.704G>A, p.Arg235Gln (NM_001278670.2, NM_006162.5, NM_172390.3); c.665G>A, p.Arg222Gln (NM_001278672.2, NM_001278675.2, NM_172387.3 and 1 more transcripts); c.-191+14628G>A (NM_172388.3); c.-191+10500G>A (NM_001278673.2); short protein forms R222Q, R235Q.
Identifiers: ClinVar variation 4710464 (VCV004710464.1).

ClinVar aggregate classification (germline): Uncertain significance (1 of 4 stars; one submission).

gnomAD v4.1: 16 of 1,604,012 alleles (0.001%); highest among the groups gnomAD compares: Admixed American, 0.005%; no homozygotes.

Submission:

Labcorp Genetics (formerly Invitae), Labcorp
Classification: Uncertain significance. Last evaluated: 2025-02-12. Review status: criteria provided, single submitter. Criteria: Invitae Variant Classification Sherloc (09022015). Collection method: clinical testing. Allele origin: germline.
Comment: This sequence change replaces arginine, which is basic and polar, with glutamine, which is neutral and polar, at codon 235 of the NFATC1 protein (p.Arg235Gln). This variant is present in population databases (no rsID available, gnomAD no frequency). This missense change has been observed in individual(s) with clinical features of NFATC1-related conditions (PMID: 28979898). An algorithm developed to predict the effect of missense changes on protein structure and function (PolyPhen-2) suggests that this variant is likely to be disruptive. In summary, the available evidence is currently insufficient to determine the role of this variant in disease. Therefore, it has been classified as a Variant of Uncertain Significance.

Literature cited by the submitters: PubMed 28979898.